The following is an entry in ClinVar:

ClinVar aggregate classification (germline): Likely benign (1 of 4 stars; one submission).

Submission:

GeneDx
Classification: Likely benign. Last evaluated: 2016-10-06. Review status: criteria provided, single submitter. Criteria: GeneDx Variant Classification (06012015). Collection method: clinical testing. Allele origin: germline. Affected: yes.
Comment: This variant is considered likely benign or benign based on one or more of the following criteria: it is a conservative change, it occurs at a poorly conserved position in the protein, it is predicted to be benign by multiple in silico algorithms, and/or has population frequency not consistent with disease.

NM_000702.4(ATP1A2):c.2148G>A (p.Val716=)

Gene: ATP1A2 (ATPase Na+/K+ transporting subunit alpha 2; plus strand). Cytogenetic location: 1q23.2.
Variant type: single nucleotide variant.
Coding change: c.2148G>A on transcript NM_000702.4 (MANE Select); coding-DNA position 2148, G replaced by A.
Protein change: p.Val716=; no amino-acid change (valine 716 retained).
Molecular consequence: synonymous variant.
Genome position (GRCh38, 1-based): chr1:160,135,466, G>A. VCF-style: chr1-160135466-G-A. GRCh37 (hg19) VCF-style: chr1-160105256-G-A.
Identifiers: ClinVar variation 389844 (VCV000389844.1), dbSNP rs1057523552, ClinGen allele CA16603444.